The following is an entry in ClinVar:

ClinVar aggregate classification (germline): Uncertain significance (1 of 4 stars; one submission).

Conditions:
Hereditary cancer-predisposing syndrome. Also called: Neoplastic Syndromes, Hereditary; Hereditary neoplastic syndrome; Tumor predisposition; Hereditary Cancer Syndrome. Identifiers: Orphanet 140162, MedGen C0027672, MeSH D009386, MONDO:0015356.

Submission:

Ambry Genetics
Classification: Uncertain significance for Hereditary cancer-predisposing syndrome. Last evaluated: 2023-02-21. Review status: criteria provided, single submitter. Criteria: Ambry Variant Classification Scheme 2023. Collection method: clinical testing. Allele origin: germline.
Comment: The p.Y959H variant (also known as c.2875T>C), located in coding exon 18 of the ATM gene, results from a T to C substitution at nucleotide position 2875. The tyrosine at codon 959 is replaced by histidine, an amino acid with similar properties. This amino acid position is conserved. In addition, this alteration is predicted to be tolerated by in silico analysis. Since supporting evidence is limited at this time, the clinical significance of this alteration remains unclear.

NM_000051.4(ATM):c.2875T>C (p.Tyr959His)

Gene: ATM (ATM serine/threonine kinase; plus strand). Cytogenetic location: 11q22.3.
Variant type: single nucleotide variant.
Coding change: c.2875T>C on transcript NM_000051.4 (MANE Select); coding-DNA position 2875, T replaced by C.
Protein change: p.Tyr959His; replaces tyrosine 959 with histidine.
Molecular consequence: missense variant.
Genome position (GRCh38, 1-based): chr11:108,271,100, T>C. VCF-style: chr11-108271100-T-C. GRCh37 (hg19) VCF-style: chr11-108141827-T-C.
Other names: c.2875T>C, p.Tyr959His (NM_001351834.2); short protein forms Y959H.
Identifiers: ClinVar variation 2453981 (VCV002453981.2), dbSNP rs2135548010, ClinGen allele CA382546822.